The following is an entry in ClinVar:

NM_002775.5(HTRA1):c.466G>C (p.Gly156Arg)

Gene: HTRA1 (HtrA serine peptidase 1; plus strand). Cytogenetic location: 10q26.13.
Variant type: single nucleotide variant.
Coding change: c.466G>C on transcript NM_002775.5 (MANE Select); coding-DNA position 466, G replaced by C.
Protein change: p.Gly156Arg; replaces glycine 156 with arginine.
Molecular consequence: missense variant.
Genome position (GRCh38, 1-based): chr10:122,462,118, G>C. VCF-style: chr10-122462118-G-C. GRCh37 (hg19) VCF-style: chr10-124221634-G-C.
Other names: c.466G>C (NM_002775.4); short protein forms G156R.
Identifiers: ClinVar variation 1480375 (VCV001480375.7), dbSNP rs772637355, ClinGen allele CA5725814.

ClinVar aggregate classification (germline): Uncertain significance. Review status: criteria provided, multiple submitters, no conflicts (2 of 4 stars). 2 submissions from 2 submitters: Uncertain significance (2). Last evaluated 2023-09-20.

Conditions:
Inborn genetic diseases. Identifiers: MedGen C0950123, MeSH D030342.

gnomAD v4.1: 12 of 1,532,966 alleles (0.00078%); highest among the groups gnomAD compares: Admixed American, 0.024%; no homozygotes.

Submissions (2):

Ambry Genetics
Classification: Uncertain significance for Inborn genetic diseases. Last evaluated: 2023-09-20. Review status: criteria provided, single submitter. Criteria: Ambry Variant Classification Scheme 2023. Collection method: clinical testing. Allele origin: germline.

Labcorp Genetics (formerly Invitae), Labcorp
Classification: Uncertain significance. Last evaluated: 2022-12-15. Review status: criteria provided, single submitter. Criteria: Invitae Variant Classification Sherloc (09022015). Collection method: clinical testing. Allele origin: germline.
Comment: This sequence change replaces glycine, which is neutral and non-polar, with arginine, which is basic and polar, at codon 156 of the HTRA1 protein (p.Gly156Arg). This variant is present in population databases (rs772637355, gnomAD 0.05%). This variant has not been reported in the literature in individuals affected with HTRA1-related conditions. ClinVar contains an entry for this variant (Variation ID: 1480375). Advanced modeling of protein sequence and biophysical properties (such as structural, functional, and spatial information, amino acid conservation, physicochemical variation, residue mobility, and thermodynamic stability) performed at Invitae indicates that this missense variant is not expected to disrupt HTRA1 protein function. In summary, the available evidence is currently insufficient to determine the role of this variant in disease. Therefore, it has been classified as a Variant of Uncertain Significance.